The following is an entry in ClinVar:

NM_018489.3(ASH1L):c.6915A>G (p.Gly2305=)

Gene: ASH1L (ASH1 like histone lysine methyltransferase; minus strand). Cytogenetic location: 1q22.
Variant type: single nucleotide variant.
Coding change: c.6915A>G on transcript NM_018489.3 (MANE Select); coding-DNA position 6915, A replaced by G.
Protein change: p.Gly2305=; no amino-acid change (glycine 2305 retained).
Molecular consequence: synonymous variant.
Genome position (GRCh38, 1-based): chr1:155,357,630, T>C on the plus strand (A>G on the coding strand, the complement: ASH1L is on the minus strand). VCF-style: chr1-155357630-T-C. GRCh37 (hg19) VCF-style: chr1-155327421-T-C.
Other names: c.6930A>G, p.Gly2310= (NM_001366177.2).
Identifiers: ClinVar variation 4881656 (VCV004881656.2).
Genomic context (GRCh38, chr1:155,357,630, plus strand): 5'-TAGATAATTATTCACCCTTTTCTTCAGCTTGTGCTTAGACTTTCTCTTCTCTTTTGACCG[T>C]CCAGATTTTTTGTGTGTGGCCATGGGCTGGCTGTTTTTGCTGCTGGTGAGTCCATTCACA-3'
Protein context (NP_060959.2, residues 2295-2315): SQPMATHKKS[Gly2305=]RSKEKRKSKH

ClinVar aggregate classification (germline): Uncertain significance (1 of 4 stars; one submission).

Conditions:
Syndromic complex neurodevelopmental disorder. Identifiers: MedGen CN372091, MONDO:0800439.

gnomAD v4.1: 2 of 1,614,128 alleles (0.00012%); highest among the groups gnomAD compares: Non-Finnish European, 0.00017%; no homozygotes.

Submission:

Dasa
Classification: Uncertain significance for Syndromic complex neurodevelopmental disorder. Last evaluated: 2026-02-12. Review status: criteria provided, single submitter. Criteria: DASA Assertion Criteria. Collection method: clinical testing. Allele origin: germline.
Comment: NM_018489.3(ASH1L):c.6915A>G (p.Gly2305=) is a synonymous variant predicted not to alter the encoded amino acid sequence. This variant is rare in population databases. The currently available literature and clinical evidence are not sufficient to establish a definitive association between this variant and the reported condition. Therefore, this variant is classified as a variant of uncertain significance.